The following is an entry in ClinVar:

ClinVar aggregate classification (germline): Uncertain significance (1 of 4 stars; one submission).

Conditions:
Trichorhinophalangeal syndrome type 1 and 3. Identifiers: MedGen C5231006.

Allele frequency attached by ClinVar (database versions not stated): gnomAD 0.00001.
gnomAD v4.1: 6 of 1,613,988 alleles (0.00037%); highest among the groups gnomAD compares: Admixed American, 0.0017%; no homozygotes.

Submission:

Victorian Clinical Genetics Services, Murdoch Childrens Research Institute
Classification: Uncertain significance for Trichorhinophalangeal syndrome type 1 and 3. Last evaluated: 2020-05-21. Review status: criteria provided, single submitter. Criteria: ACMG Guidelines, 2015. Collection method: clinical testing. Allele origin: germline. Inheritance: Autosomal dominant inheritance. Affected: yes.
Comment: A heterozygous missense variant was identified, NM_014112.4(TRPS1):c.2017G>A in exon 4 of 7 of the TRPS1 gene. This substitution is predicted to create a minor amino acid change from valine to isoleucine at position 673 of the protein, NP_054831.2(TRPS1):p.(Val673Ile). The valine at this position has low conservation (100 vertebrates, UCSC), and is not situated in a known functional domain. In silico software predicts this variant to be benign (Polyphen, SIFT, CADD, Mutation Taster). The variant is not present in the gnomAD population database. An alternative residue change at the same location has been reported in the gnomAD database at a frequency of 0.0032%. The variant has not been previously reported in a clinical testing setting. Based on information available at the time of curation, this variant has been classified as a VARIANT of UNCERTAIN SIGNIFICANCE (VUS) with LOW CLINICAL RELEVANCE.

NM_014112.5(TRPS1):c.2017G>A (p.Val673Ile)

Gene: TRPS1 (transcriptional repressor GATA binding 1; minus strand). Cytogenetic location: 8q23.3.
Variant type: single nucleotide variant.
Coding change: c.2017G>A on transcript NM_014112.5 (MANE Select); coding-DNA position 2017, G replaced by A.
Protein change: p.Val673Ile; replaces valine 673 with isoleucine.
Molecular consequence: missense variant.
Genome position (GRCh38, 1-based): chr8:115,603,952, C>T on the plus strand (G>A on the coding strand, the complement: TRPS1 is on the minus strand). VCF-style: chr8-115603952-C-T. GRCh37 (hg19) VCF-style: chr8-116616179-C-T.
Other names: c.1990G>A, p.Val664Ile (NM_001282902.3); c.1996G>A, p.Val666Ile (NM_001282903.3); c.1978G>A, p.Val660Ile (NM_001330599.2); short protein forms V660I, V664I, V666I, V673I.
Identifiers: ClinVar variation 1699248 (VCV001699248.2), dbSNP rs371305338, ClinGen allele CA184614863.
Genomic context (GRCh38, chr8:115,603,952, plus strand): 5'-CTTCTTCCACTTGGGTAATAAAATCACATTTGGTACATGAGTGTTCTTTGCTTTCCTTGA[C>T]AGACTGCTGCCCATCCGATCCTTGCAGGTGATTTGCTTCTTGTTTGACATCCGATGCTTG-3'
Protein context (NP_054831.2, residues 663-683): HLQGSDGQQS[Val673Ile]KESKEHSCTK